The following is an entry in ClinVar:

ClinVar aggregate classification (germline): Uncertain significance (1 of 4 stars; one submission).

Submission:

CeGaT Center for Human Genetics Tuebingen
Classification: Uncertain significance. Last evaluated: 2022-10-01. Review status: criteria provided, single submitter. Criteria: CeGaT Center For Human Genetics Tuebingen Variant Classification Criteria Version 2. Collection method: clinical testing. Allele origin: germline. Affected: yes. Observed: 1 variant allele.
Comment: DAB2: PM2

NM_001343.4(DAB2):c.1194del (p.Phe398fs)

Genes: DAB2 (DAB adaptor protein 2; minus strand), LOC126807371 (BRD4-independent group 4 enhancer GRCh37_chr5:39382313-39383512; plus strand). Cytogenetic location: 5p13.1.
Variant type: Deletion.
Coding change: c.1194del on transcript NM_001343.4 (MANE Select); coding-DNA position 1194, one base deleted (T; older notation c.1194delT).
Protein change: p.Phe398fs; shifts the reading frame from phenylalanine 398.
Molecular consequence: frameshift variant.
Genome position (GRCh38, 1-based): chr5:39,382,765, A deleted on the plus strand (T on the coding strand, the reverse complement: DAB2 is on the minus strand); the first of 4 consecutive A bases (chr5:39,382,765-39,382,768); deleting any one gives the same sequence. VCF-style (leftmost placement, unchanged base first): chr5-39382764-CA-C. GRCh37 (hg19) VCF-style: chr5-39382866-CA-C.
Other names: c.1131del, p.Phe377fs (NM_001244871.2); short protein forms F377fs, F398fs.
Identifiers: ClinVar variation 2655445 (VCV002655445.24), dbSNP rs2479235579, ClinGen allele CA2695198602.
Genomic context (GRCh38, chr5:39,382,764, plus strand): 5'-AGCTTTCCAAGTCCTGCTTTACGCCATTCTGTATGGACAGTCCTTTGGGAGGGCTTCCCA[CA>C]AAAGGGTTCGGGGAGGATTTGACAGAGAAGCCGTTCTGTTCTCTTTCAGATACCCCATTT-3'